The following is an entry in ClinVar:

ClinVar aggregate classification (germline): Uncertain significance (1 of 4 stars; one submission).

Conditions:
Lafora disease. Also called: Epilepsy progressive myoclonic 2; Progressive Myoclonus Epilepsy, Lafora Type. Identifiers: Orphanet 501, MedGen C0751783, MONDO:0009697.

Allele frequency attached by ClinVar (database versions not stated): gnomAD exomes below 0.00001.

Submission:

Labcorp Genetics (formerly Invitae), Labcorp
Classification: Uncertain significance for Lafora disease. Last evaluated: 2022-06-13. Review status: criteria provided, single submitter. Criteria: Invitae Variant Classification Sherloc (09022015). Collection method: clinical testing. Allele origin: germline.
Comment: This sequence change replaces leucine, which is neutral and non-polar, with methionine, which is neutral and non-polar, at codon 132 of the NHLRC1 protein (p.Leu132Met). In summary, the available evidence is currently insufficient to determine the role of this variant in disease. Therefore, it has been classified as a Variant of Uncertain Significance. Algorithms developed to predict the effect of missense changes on protein structure and function are either unavailable or do not agree on the potential impact of this missense change (SIFT: "Deleterious"; PolyPhen-2: "Benign"; Align-GVGD: "Class C0"). This variant has not been reported in the literature in individuals affected with NHLRC1-related conditions. This variant is not present in population databases (gnomAD no frequency).

NM_198586.3(NHLRC1):c.394C>A (p.Leu132Met)

Gene: NHLRC1 (NHL repeat containing E3 ubiquitin protein ligase 1; minus strand). Cytogenetic location: 6p22.3.
Variant type: single nucleotide variant.
Coding change: c.394C>A on transcript NM_198586.3 (MANE Select); coding-DNA position 394, C replaced by A.
Protein change: p.Leu132Met; replaces leucine 132 with methionine.
Molecular consequence: missense variant.
Genome position (GRCh38, 1-based): chr6:18,122,213, G>T on the plus strand (C>A on the coding strand, the complement: NHLRC1 is on the minus strand). VCF-style: chr6-18122213-G-T. GRCh37 (hg19) VCF-style: chr6-18122444-G-T.
Other names: short protein forms L132M.
Identifiers: ClinVar variation 1516782 (VCV001516782.8), dbSNP rs1367848969, ClinGen allele CA362828587.